The following is an entry in ClinVar:

ClinVar aggregate classification (germline): Conflicting classifications of pathogenicity. Review status: criteria provided, conflicting classifications (1 of 4 stars). 3 submissions from 3 submitters: Uncertain significance (1); Likely benign (2). Last evaluated 2026-01-28.

Conditions:
Early-infantile DEE. Also called: Ohtahara syndrome; Early infantile epileptic encephalopathy; Early infantile epileptic encephalopathy with suppression bursts. Identifiers: Orphanet 1934, MedGen C0393706, MONDO:0800491.

Allele frequency attached by ClinVar (database versions not stated): gnomAD 0.00006 and 0.00005; ESP Exome Variant Server 0.00008; TOPMed 0.00007.
gnomAD v4.1: 18 of 1,614,118 alleles (0.0011%); highest among the groups gnomAD compares: African/African-American, 0.016%; no homozygotes.

Submissions (3):

Labcorp Genetics (formerly Invitae), Labcorp
Classification: Likely benign for Early-infantile DEE. Last evaluated: 2026-01-28. Review status: criteria provided, single submitter. Criteria: Invitae Variant Classification Sherloc (09022015). Collection method: clinical testing. Allele origin: germline.

GeneDx
Classification: Likely benign. Last evaluated: 2024-01-04. Review status: criteria provided, single submitter. Criteria: GeneDx Variant Classification Process June 2021. Collection method: clinical testing. Allele origin: germline. Affected: yes.
Comment: See Variant Classification Assertion Criteria.

Eurofins Ntd Llc (ga)
Classification: Uncertain significance. Last evaluated: 2015-12-03. Review status: criteria provided, single submitter. Criteria: EGL Classification Definitions 2015. Collection method: clinical testing. Allele origin: germline. Observed: 1 variant allele, 1 heterozygote.

NM_001165963.4(SCN1A):c.1582A>T (p.Ser528Cys)

Gene: SCN1A (sodium voltage-gated channel alpha subunit 1; minus strand). Cytogenetic location: 2q24.3.
Variant type: single nucleotide variant.
Coding change: c.1582A>T on transcript NM_001165963.4 (MANE Select); coding-DNA position 1582, A replaced by T.
Protein change: p.Ser528Cys; replaces serine 528 with cysteine.
Molecular consequence: missense variant. On other transcripts: 5 prime UTR variant (1), non-coding transcript variant (1).
Genome position (GRCh38, 1-based): chr2:166,045,123, T>A on the plus strand (A>T on the coding strand, the complement: SCN1A is on the minus strand). VCF-style: chr2-166045123-T-A. GRCh37 (hg19) VCF-style: chr2-166901633-T-A.
Other names: p.S528C:AGC>TGC; c.1582A>T, p.Ser528Cys (NM_001165964.3, NM_001202435.3, NM_001353948.2 and 7 more transcripts); c.1579A>T, p.Ser527Cys (NM_001353954.2, NM_001353955.2, NM_001353960.2); c.-844A>T (NM_001353961.2); short protein forms S528C, S527C.
Identifiers: ClinVar variation 206769 (VCV000206769.15), dbSNP rs372372558, ClinGen allele CA317241.
Genomic context (GRCh38, chr2:166,045,123, plus strand): 5'-TCTTTTCATATGTCAATCGGTTCCCTTCAATGGAGAAGCGAAAACCTTTCCTCCTGATGC[T>A]GTCCTCAGATTCAGATTTTTGGAATTCATCCTCATCTTTCTCTTCCCCACCAGACTGCTC-3'
Protein context (NP_001159435.1, residues 518-538): DEFQKSESED[Ser528Cys]IRRKGFRFSI